The following is an entry in ClinVar:

NM_000089.4(COL1A2):c.148C>T (p.Pro50Ser)

Gene: COL1A2 (collagen type I alpha 2 chain; plus strand). Cytogenetic location: 7q21.3.
Variant type: single nucleotide variant.
Coding change: c.148C>T on transcript NM_000089.4 (MANE Select); coding-DNA position 148, C replaced by T.
Protein change: p.Pro50Ser; replaces proline 50 with serine.
Molecular consequence: missense variant.
Genome position (GRCh38, 1-based): chr7:94,400,211, C>T. VCF-style: chr7-94400211-C-T. GRCh37 (hg19) VCF-style: chr7-94029523-C-T.
Other names: short protein forms P50S.
Identifiers: ClinVar variation 452728 (VCV000452728.6), dbSNP rs879344129, ClinGen allele CA162907094.

ClinVar aggregate classification (germline): Uncertain significance. Review status: criteria provided, multiple submitters, no conflicts (2 of 4 stars). 3 submissions from 3 submitters: Uncertain significance (3). Last evaluated 2026-02-24.

Conditions:
Ehlers-Danlos syndrome, classic type, 1 (EDSCL1). Also called: EHLERS-DANLOS SYNDROME, GRAVIS TYPE; EHLERS-DANLOS SYNDROME, SEVERE CLASSIC TYPE; EDS I; Ehlers-Danlos Syndrome, Classic Type, COL5A1-Related; Ehlers-Danlos syndrome, type 1. Identifiers: MedGen C0268335, MONDO:0019567, OMIM 130000.
Osteogenesis imperfecta type I (OI1). Also called: OI, TYPE I; OSTEOGENESIS IMPERFECTA TARDA; OSTEOGENESIS IMPERFECTA WITH BLUE SCLERAE; Classic Non-deforming Osteogenesis Imperfecta with Blue Sclerae; Lobstein disease; Osteogenesis imperfecta type 1. Identifiers: Orphanet 216796, Orphanet 666, MedGen C0023931, MONDO:0008146, OMIM 166200. Disease mechanism: loss of function.
Cardiovascular phenotype. Identifiers: MedGen CN230736.

Allele frequency attached by ClinVar (database versions not stated): gnomAD exomes 0.00001; TOPMed 0.00003; gnomAD 0.00010.
gnomAD v4.1: 19 of 1,613,384 alleles (0.0012%); highest among the groups gnomAD compares: African/African-American, 0.02%; no homozygotes.

Submissions (3):

Ambry Genetics
Classification: Uncertain significance for Cardiovascular phenotype. Last evaluated: 2026-02-24. Review status: criteria provided, single submitter. Criteria: Ambry Variant Classification Scheme 2023. Collection method: clinical testing. Allele origin: germline.
Comment: The p.P50S variant (also known as c.148C>T), located in coding exon 5 of the COL1A2 gene, results from a C to T substitution at nucleotide position 148. The proline at codon 50 is replaced by serine, an amino acid with similar properties. This amino acid position is conserved. In addition, the in silico prediction for this alteration is inconclusive. Based on the available evidence, the clinical significance of this variant remains unclear.

Labcorp Genetics (formerly Invitae), Labcorp
Classification: Uncertain significance for Osteogenesis imperfecta type I; Ehlers-Danlos syndrome, classic type, 1. Last evaluated: 2024-07-09. Review status: criteria provided, single submitter. Criteria: Invitae Variant Classification Sherloc (09022015). Collection method: clinical testing. Allele origin: germline.
Comment: This sequence change replaces proline, which is neutral and non-polar, with serine, which is neutral and polar, at codon 50 of the COL1A2 protein (p.Pro50Ser). This variant is present in population databases (no rsID available, gnomAD 0.02%). This variant has not been reported in the literature in individuals affected with COL1A2-related conditions. ClinVar contains an entry for this variant (Variation ID: 452728). Advanced modeling of protein sequence and biophysical properties (such as structural, functional, and spatial information, amino acid conservation, physicochemical variation, residue mobility, and thermodynamic stability) performed at Invitae indicates that this missense variant is not expected to disrupt COL1A2 protein function with a negative predictive value of 95%. In summary, the available evidence is currently insufficient to determine the role of this variant in disease. Therefore, it has been classified as a Variant of Uncertain Significance.

GeneDx
Classification: Uncertain significance. Last evaluated: 2020-02-04. Review status: criteria provided, single submitter. Criteria: GeneDx Variant Classification Process June 2021. Collection method: clinical testing. Allele origin: germline. Affected: yes.